The following is an entry in ClinVar:

NM_001166108.2(PALLD):c.2453C>T (p.Ala818Val)

Genes: CBR4 (carbonyl reductase 4; minus strand), PALLD (palladin, cytoskeletal associated protein; plus strand). Cytogenetic location: 4q32.3.
Variant type: single nucleotide variant.
Coding change: c.2453C>T on transcript NM_001166108.2 (MANE Select); coding-DNA position 2453, C replaced by T.
Protein change: p.Ala818Val; replaces alanine 818 with valine.
Molecular consequence: missense variant.
Genome position (GRCh38, 1-based): chr4:168,898,695, C>T. VCF-style: chr4-168898695-C-T. GRCh37 (hg19) VCF-style: chr4-169819846-C-T.
Other names: c.1256C>T, p.Ala419Val (NM_001166109.2); c.941C>T, p.Ala314Val (NM_001166110.2); c.281C>T, p.Ala94Val (NM_001367567.1, NM_001367569.1); c.332C>T, p.Ala111Val (NM_001367568.1, NM_001367570.1); c.2402C>T, p.Ala801Val (NM_016081.4); short protein forms A419V, A314V, A94V, A801V, A818V, A111V.
Identifiers: ClinVar variation 1790750 (VCV001790750.5), dbSNP rs1755800407, ClinGen allele CA358799175.

ClinVar aggregate classification (germline): Uncertain significance. Review status: criteria provided, multiple submitters, no conflicts (2 of 4 stars). 2 submissions from 2 submitters: Uncertain significance (2). Last evaluated 2023-05-17.

Conditions:
Pancreatic adenocarcinoma. Identifiers: MedGen C0281361, MONDO:0006047, HP:0006725.

Allele frequency attached by ClinVar (database versions not stated): TOPMed below 0.00001.
gnomAD v4.1: 1 of 1,613,250 alleles (0.000062%); no homozygotes.

Submissions (2):

Labcorp Genetics (formerly Invitae), Labcorp
Classification: Uncertain significance for Pancreatic adenocarcinoma. Last evaluated: 2023-05-17. Review status: criteria provided, single submitter. Criteria: Invitae Variant Classification Sherloc (09022015). Collection method: clinical testing. Allele origin: germline.
Comment: This sequence change replaces alanine, which is neutral and non-polar, with valine, which is neutral and non-polar, at codon 314 of the PALLD protein (p.Ala314Val). This variant is not present in population databases (gnomAD no frequency). This variant has not been reported in the literature in individuals affected with PALLD-related conditions. ClinVar contains an entry for this variant (Variation ID: 1790750). An algorithm developed to predict the effect of missense changes on protein structure and function (PolyPhen-2) suggests that this variant is likely to be tolerated. In summary, the available evidence is currently insufficient to determine the role of this variant in disease. Therefore, it has been classified as a Variant of Uncertain Significance.

Ambry Genetics
Classification: Uncertain significance. Last evaluated: 2022-10-01. Review status: criteria provided, single submitter. Criteria: Ambry Variant Classification Scheme 2023. Collection method: clinical testing. Allele origin: germline.
Comment: The p.A801V variant (also known as c.2402C>T), located in coding exon 12 of the PALLD gene, results from a C to T substitution at nucleotide position 2402. The alanine at codon 801 is replaced by valine, an amino acid with similar properties. This amino acid position is conserved. In addition, this alteration is predicted to be tolerated by in silico analysis. Since supporting evidence is limited at this time, the clinical significance of this alteration remains unclear.